The following is an entry in ClinVar:

NM_024408.4(NOTCH2):c.4923G>T (p.Lys1641Asn)

Gene: NOTCH2 (notch receptor 2; minus strand). Cytogenetic location: 1p12.
Variant type: single nucleotide variant.
Coding change: c.4923G>T on transcript NM_024408.4 (MANE Select); coding-DNA position 4923, G replaced by T.
Protein change: p.Lys1641Asn; replaces lysine 1641 with asparagine.
Molecular consequence: missense variant.
Genome position (GRCh38, 1-based): chr1:119,922,715, C>A on the plus strand (G>T on the coding strand, the complement: NOTCH2 is on the minus strand). VCF-style: chr1-119922715-C-A. GRCh37 (hg19) VCF-style: chr1-120465338-C-A.
Other names: short protein forms K1641N.
Identifiers: ClinVar variation 1928649 (VCV001928649.5), dbSNP rs1441578125, ClinGen allele CA341888124.

ClinVar aggregate classification (germline): Uncertain significance (1 of 4 stars; one submission).

Conditions:
Hajdu-Cheney syndrome (HJCYS). Also called: SERPENTINE FIBULA-POLYCYSTIC KIDNEY SYNDROME; Acroosteolysis dominant type; ACROOSTEOLYSIS WITH OSTEOPOROSIS AND CHANGES IN SKULL AND MANDIBLE. Identifiers: Orphanet 955, MedGen C0917715, MONDO:0007057, OMIM 102500.

Allele frequency attached by ClinVar (database versions not stated): TOPMed below 0.00001.
gnomAD v4.1: 1 of 1,614,202 alleles (0.000062%); highest among the groups gnomAD compares: Non-Finnish European, 0.000085%; no homozygotes.

Submission:

Labcorp Genetics (formerly Invitae), Labcorp
Classification: Uncertain significance for Hajdu-Cheney syndrome. Last evaluated: 2022-12-01. Review status: criteria provided, single submitter. Criteria: Invitae Variant Classification Sherloc (09022015). Collection method: clinical testing. Allele origin: germline.
Comment: In summary, the available evidence is currently insufficient to determine the role of this variant in disease. Therefore, it has been classified as a Variant of Uncertain Significance. Advanced modeling of protein sequence and biophysical properties (such as structural, functional, and spatial information, amino acid conservation, physicochemical variation, residue mobility, and thermodynamic stability) performed at Invitae indicates that this missense variant is not expected to disrupt NOTCH2 protein function. This variant has not been reported in the literature in individuals affected with NOTCH2-related conditions. This variant is not present in population databases (gnomAD no frequency). This sequence change replaces lysine, which is basic and polar, with asparagine, which is neutral and polar, at codon 1641 of the NOTCH2 protein (p.Lys1641Asn).